The following is an entry in ClinVar:

ClinVar aggregate classification (germline): Pathogenic (1 of 4 stars; one submission).

Conditions:
Hereditary breast ovarian cancer syndrome. Also called: Hereditary breast and ovarian cancer syndrome; Hereditary breast and/or ovarian cancer syndrome; BRCA1- and BRCA2-Associated Hereditary Breast and Ovarian Cancer; Hereditary breast and ovarian cancer syndrome (HBOC); Hereditary breast and ovarian cancer; Breast and ovarian cancer. Identifiers: Orphanet 145, MedGen C0677776, MeSH D061325, MONDO:0003582. Disease mechanism: loss of function.

Submission:

Labcorp Genetics (formerly Invitae), Labcorp
Classification: Pathogenic for Hereditary breast ovarian cancer syndrome. Last evaluated: 2021-12-17. Review status: criteria provided, single submitter. Criteria: Invitae Variant Classification Sherloc (09022015). Collection method: clinical testing. Allele origin: germline.
Comment: For these reasons, this variant has been classified as Pathogenic. This variant has not been reported in the literature in individuals affected with BRCA1-related conditions. This variant is not present in population databases (gnomAD no frequency). This sequence change creates a premature translational stop signal (p.Tyr1509Leufs*12) in the BRCA1 gene. It is expected to result in an absent or disrupted protein product. Loss-of-function variants in BRCA1 are known to be pathogenic (PMID: 20104584).

Literature cited by the submitters: PubMed 20104584.

NM_007294.4(BRCA1):c.4525dup (p.Tyr1509fs)

Gene: BRCA1 (BRCA1 DNA repair associated; minus strand). Cytogenetic location: 17q21.31.
Variant type: Duplication.
Coding change: c.4525dup on transcript NM_007294.4 (MANE Select); coding-DNA position 4525, one base duplicated (T; older notation c.4525dupT).
Protein change: p.Tyr1509fs; shifts the reading frame from tyrosine 1509.
Molecular consequence: frameshift variant. On other transcripts: non-coding transcript variant (1).
Genome position (GRCh38, 1-based): chr17:43,074,481, A duplicated on the plus strand (T on the coding strand, the reverse complement: BRCA1 is on the minus strand). VCF-style (leftmost placement, unchanged base first): chr17-43074480-T-TA. GRCh37 (hg19) VCF-style: chr17-41226497-T-TA.
Other names: c.4522dup, p.Tyr1508Leufs (NM_001407611.1, NM_001407612.1, NM_001407613.1 and 17 more transcripts); c.4519dup, p.Tyr1507Leufs (NM_001407627.1, NM_001407628.1, NM_001407629.1 and 14 more transcripts); c.4516dup, p.Tyr1506Leufs (NM_001407644.1, NM_001407645.1); c.4513dup, p.Tyr1505Leufs (NM_001407646.1); c.4510dup, p.Tyr1504Leufs (NM_001407647.1); c.4468dup, p.Tyr1490Leufs (NM_001407648.1); c.4465dup, p.Tyr1489Leufs (NM_001407649.1); c.4525dup, p.Tyr1509Leufs (NM_001407652.1, NM_001407684.1, NM_001407854.1 and 8 more transcripts); and 71 more; short protein forms Y1462fs, Y1509fs, Y405fs, Y1530fs.
Identifiers: ClinVar variation 2045740 (VCV002045740.4), dbSNP rs2551495416, ClinGen allele CA2580094405.
Genomic context (GRCh38, chr17:43,074,480, plus strand): 5'-ATGAGCTCCTCTTGAGATGGGTAGTTTCTATTCTGAAGACTCCCAGAGCAACTGTGCATG[T>TA]ACCACCTATCATCTAATGATGGGCATTTAGAAGGGGATGACCTAGAAAGATAAATGGAAG-3'